The following is an entry in ClinVar:

ClinVar aggregate classification (germline): Uncertain significance (1 of 4 stars; one submission).

Conditions:
Familial thoracic aortic aneurysm and aortic dissection (TAAD). Also called: Thoracic aortic aneurysms and dissections. Identifiers: Orphanet 91387, MedGen C4707243, MONDO:0019625.

Allele frequency attached by ClinVar (database versions not stated): gnomAD exomes below 0.00001; ExAC 0.00001.
gnomAD v4.1: 1 of 1,612,724 alleles (0.000062%); highest among the groups gnomAD compares: Admixed American, 0.0017%; no homozygotes.

Submission:

Color Diagnostics, LLC DBA Color Health
Classification: Uncertain significance for Familial thoracic aortic aneurysm and aortic dissection. Last evaluated: 2023-12-04. Review status: criteria provided, single submitter. Criteria: ACMG Guidelines, 2015. Collection method: clinical testing. Allele origin: germline.
Comment: Variant of Uncertain Significance due to insufficient evidence: This missense variant is located in the myosin motor domain of the MYH11 protein. Computational prediction tools and conservation analyses are inconclusive regarding the impact of this variant on the protein function. Computational splicing tools suggest that this variant may not impact RNA splicing. To our knowledge, functional assays have not been performed for this variant nor has this variant been reported in individuals affected with cardiovascular disorders in the literature. This variant has been identified in 1/240908 chromosomes in the general population by the Genome Aggregation Database (gnomAD). Available evidence is insufficient to determine the pathogenicity of this variant conclusively.

NM_002474.3(MYH11):c.1897A>C (p.Lys633Gln)

Gene: MYH11 (myosin heavy chain 11; minus strand). Cytogenetic location: 16p13.11.
Variant type: single nucleotide variant.
Coding change: c.1897A>C on transcript NM_002474.3 (MANE Select); coding-DNA position 1897, A replaced by C.
Protein change: p.Lys633Gln; replaces lysine 633 with glutamine.
Molecular consequence: missense variant.
Genome position (GRCh38, 1-based): chr16:15,750,299, T>G on the plus strand (A>C on the coding strand, the complement: MYH11 is on the minus strand). VCF-style: chr16-15750299-T-G. GRCh37 (hg19) VCF-style: chr16-15844156-T-G.
Other names: c.1918A>C, p.Lys640Gln (NM_001040113.2, NM_001040114.2); c.1897A>C, p.Lys633Gln (NM_022844.3); short protein forms K640Q, K633Q.
Identifiers: ClinVar variation 926852 (VCV000926852.5), dbSNP rs772309087, ClinGen allele CA7922471.